The following is an entry in ClinVar:

NM_001160372.4(TRAPPC9):c.-10-2A>G

Gene: TRAPPC9 (trafficking protein particle complex subunit 9; minus strand). Cytogenetic location: 8q24.3.
Variant type: single nucleotide variant.
Coding change: c.-10-2A>G on transcript NM_001160372.4 (MANE Select); the canonical splice acceptor site of the intron before 10 bases upstream of the start codon, A replaced by G.
Molecular consequence: splice acceptor variant.
Genome position (GRCh38, 1-based): chr8:140,451,385, T>C on the plus strand (A>G on the coding strand, the complement: TRAPPC9 is on the minus strand). VCF-style: chr8-140451385-T-C. GRCh37 (hg19) VCF-style: chr8-141461484-T-C.
Other names: c.-10-2A>G (NM_031466.8, NM_001321646.2, NM_001374684.1 and 2 more transcripts).
Identifiers: ClinVar variation 1921857 (VCV001921857.6), dbSNP rs772904754, ClinGen allele CA4893825.

ClinVar aggregate classification (germline): Conflicting classifications of pathogenicity. Review status: criteria provided, conflicting classifications (1 of 4 stars). 2 submissions from 2 submitters: Likely pathogenic (1); Uncertain significance (1). Last evaluated 2025-11-17.

Allele frequency attached by ClinVar (database versions not stated): gnomAD 0.00004; gnomAD exomes 0.00004; TOPMed 0.00005; ExAC 0.00008.
gnomAD v4.1: 29 of 1,599,414 alleles (0.0018%); highest among the groups gnomAD compares: Admixed American, 0.042%; no homozygotes.

Submissions (2):

Labcorp Genetics (formerly Invitae), Labcorp
Classification: Likely pathogenic. Last evaluated: 2025-11-17. Review status: criteria provided, single submitter. Criteria: Invitae Variant Classification Sherloc (09022015). Collection method: clinical testing. Allele origin: germline.
Comment: This sequence change affects an acceptor splice site in intron 1 of the TRAPPC9 gene. It is expected to disrupt RNA splicing. Variants that disrupt the donor or acceptor splice site typically lead to a loss of protein function (PMID: 16199547), and loss-of-function variants in TRAPPC9 are known to be pathogenic (PMID: 2000476, 20004763, 20004764). This variant is present in population databases (rs772904754, gnomAD 0.06%). This variant has not been reported in the literature in individuals affected with TRAPPC9-related conditions. ClinVar contains an entry for this variant (Variation ID: 1921857). Algorithms developed to predict the effect of sequence changes on RNA splicing suggest that this variant may disrupt the consensus splice site. In summary, the currently available evidence indicates that the variant is pathogenic, but additional data are needed to prove that conclusively. Therefore, this variant has been classified as Likely Pathogenic.

GeneDx
Classification: Uncertain significance. Last evaluated: 2025-01-06. Review status: criteria provided, single submitter. Criteria: GeneDx Variant Classification Process June 2021. Collection method: clinical testing. Allele origin: germline. Affected: yes.
Comment: Canonical splice site variant predicted to result in an in-frame loss of the adjacent exon in a gene for which loss of function is a known mechanism of disease; Has not been previously published as pathogenic or benign to our knowledge

Literature cited by the submitters: PubMed 16199547 (cited by Labcorp Genetics (formerly Invitae), Labcorp); PubMed 2000476 (cited by Labcorp Genetics (formerly Invitae), Labcorp); PubMed 20004763 (cited by Labcorp Genetics (formerly Invitae), Labcorp); PubMed 20004764 (cited by Labcorp Genetics (formerly Invitae), Labcorp).